The following is an entry in ClinVar:

ClinVar aggregate classification (germline): Likely pathogenic. Review status: criteria provided, multiple submitters, no conflicts (2 of 4 stars). 3 submissions from 3 submitters: Likely pathogenic (3). Last evaluated 2025-02-04.

Conditions:
Familial cancer of breast. Also called: hereditary breast carcinoma; BREAST CANCER, FAMILIAL; Hereditary breast cancer. Identifiers: Orphanet 227535, MedGen C0346153, MONDO:0016419, OMIM 114480. Disease mechanism: loss of function.
Hereditary cancer-predisposing syndrome. Also called: Neoplastic Syndromes, Hereditary; Hereditary Cancer Syndrome; Hereditary neoplastic syndrome; Tumor predisposition. Identifiers: Orphanet 140162, MedGen C0027672, MeSH D009386, MONDO:0015356.
Fanconi anemia complementation group J. Also called: BRIP1-Related Fanconi Anemia. Identifiers: Orphanet 84, MedGen C1836860, MONDO:0012187, OMIM 609054.

Submissions (3):

Department of Clinical Genetics, Copenhagen University Hospital, Rigshospitalet
Classification: Likely pathogenic for Hereditary cancer-predisposing syndrome. Last evaluated: 2025-02-04. Review status: criteria provided, single submitter. Criteria: ACMG Guidelines, 2015. Collection method: clinical testing. Allele origin: germline.
Comment: PVS1; PM2_SUP

Labcorp Genetics (formerly Invitae), Labcorp
Classification: Likely pathogenic for Familial cancer of breast; Fanconi anemia complementation group J. Last evaluated: 2024-01-29. Review status: criteria provided, single submitter. Criteria: Invitae Variant Classification Sherloc (09022015). Collection method: clinical testing. Allele origin: germline.
Comment: This sequence change affects an acceptor splice site in intron 17 of the BRIP1 gene. It is expected to disrupt RNA splicing. Variants that disrupt the donor or acceptor splice site typically lead to a loss of protein function (PMID: 16199547), and loss-of-function variants in BRIP1 are known to be pathogenic (PMID: 16116423, 17033622, 21964575). This variant is not present in population databases (gnomAD no frequency). This variant has not been reported in the literature in individuals affected with BRIP1-related conditions. ClinVar contains an entry for this variant (Variation ID: 642199). Algorithms developed to predict the effect of sequence changes on RNA splicing suggest that this variant may disrupt the consensus splice site. In summary, the currently available evidence indicates that the variant is pathogenic, but additional data are needed to prove that conclusively. Therefore, this variant has been classified as Likely Pathogenic.

Myriad Genetics, Inc.
Classification: Likely pathogenic for Familial cancer of breast. Last evaluated: 2023-06-02. Review status: criteria provided, single submitter. Criteria: Myriad Autosomal Dominant, Autosomal Recessive and X-Linked Classification Criteria (2023). Collection method: clinical testing. Allele origin: unknown.
Comment: This variant is considered likely pathogenic. This variant occurs within a consensus splice junction and is predicted to result in abnormal mRNA splicing of either an out-of-frame exon or an in-frame exon necessary for protein stability and/or normal function.

Literature cited by the submitters: PubMed 16199547 (cited by Labcorp Genetics (formerly Invitae), Labcorp); PubMed 16116423 (cited by Labcorp Genetics (formerly Invitae), Labcorp); PubMed 17033622 (cited by Labcorp Genetics (formerly Invitae), Labcorp); PubMed 21964575 (cited by Labcorp Genetics (formerly Invitae), Labcorp).

NM_032043.3(BRIP1):c.2493-2A>G

Gene: BRIP1 (BRCA1 interacting DNA helicase 1; minus strand). Cytogenetic location: 17q23.2.
Variant type: single nucleotide variant.
Coding change: c.2493-2A>G on transcript NM_032043.3 (MANE Select); the canonical splice acceptor site of the intron before coding-DNA position 2493, A replaced by G.
Molecular consequence: splice acceptor variant.
Genome position (GRCh38, 1-based): chr17:61,693,514, T>C on the plus strand (A>G on the coding strand, the complement: BRIP1 is on the minus strand). VCF-style: chr17-61693514-T-C. GRCh37 (hg19) VCF-style: chr17-59770875-T-C.
Identifiers: ClinVar variation 642199 (VCV000642199.13), dbSNP rs1603280621, ClinGen allele CA400482512.